The following is an entry in ClinVar:

NM_138694.4(PKHD1):c.5897T>C (p.Leu1966Pro)

Gene: PKHD1 (PKHD1 ciliary IPT domain containing fibrocystin/polyductin; minus strand). Cytogenetic location: 6p12.2.
Variant type: single nucleotide variant.
Coding change: c.5897T>C on transcript NM_138694.4 (MANE Select); coding-DNA position 5897, T replaced by C.
Protein change: p.Leu1966Pro; replaces leucine 1966 with proline.
Molecular consequence: missense variant.
Genome position (GRCh38, 1-based): chr6:51,959,881, A>G on the plus strand (T>C on the coding strand, the complement: PKHD1 is on the minus strand). VCF-style: chr6-51959881-A-G. GRCh37 (hg19) VCF-style: chr6-51824679-A-G.
Other names: c.5897T>C, p.Leu1966Pro (NM_170724.3); short protein forms L1966P.
Identifiers: ClinVar variation 5003528 (VCV005003528.1).

ClinVar aggregate classification (germline): Uncertain significance (1 of 4 stars; one submission).

Conditions:
Polycystic kidney disease 4 (PKD4). Also called: POLYCYSTIC KIDNEY AND HEPATIC DISEASE 1; POLYCYSTIC KIDNEY DISEASE, INFANTILE, TYPE I; PKD3; Autosomal Recessive Polycystic Kidney Disease – PKHD1; POLYCYSTIC KIDNEY DISEASE 4 WITH OR WITHOUT POLYCYSTIC LIVER DISEASE. Identifiers: MedGen C4540575, MONDO:0033004, OMIM 263200.

Submission:

Myriad Genetics, Inc.
Classification: Uncertain significance for Polycystic kidney disease 4. Last evaluated: 2026-03-13. Review status: criteria provided, single submitter. Criteria: Myriad Autosomal Dominant, Autosomal Recessive and X-Linked Classification Criteria (2023). Collection method: clinical testing. Allele origin: unknown.
Comment: NM_138694.3(PKHD1):c.5897T>C(L1966P) is a missense variant classified as a variant of uncertain significance in the context of autosomal recessive polycystic kidney disease, PKHD1-related. L1966P has been observed in a case with relevant disease (PMID: 33940108). Relevant functional assessments of this variant are not available in the literature. L1966P has not been observed in referenced population frequency databases. In summary, there is insufficient evidence to classify NM_138694.3(PKHD1):c.5897T>C(L1966P) as pathogenic or benign. Please note: this variant was assessed in the context of healthy population screening.

Literature cited by the submitters: PubMed 33940108.